The following is an entry in ClinVar:

ClinVar aggregate classification (germline): Uncertain significance (1 of 4 stars; one submission).

gnomAD v4.1: 4 of 1,613,426 alleles (0.00025%); highest among the groups gnomAD compares: African/African-American, 0.004%; no homozygotes.

Submission:

Labcorp Genetics (formerly Invitae), Labcorp
Classification: Uncertain significance. Last evaluated: 2025-10-20. Review status: criteria provided, single submitter. Criteria: Invitae Variant Classification Sherloc (09022015). Collection method: clinical testing. Allele origin: germline.
Comment: This sequence change replaces glutamic acid, which is acidic and polar, with glutamine, which is neutral and polar, at codon 736 of the NRIP1 protein (p.Glu736Gln). This variant is present in population databases (rs778836237, gnomAD 0.007%). This variant has not been reported in the literature in individuals affected with NRIP1-related conditions. An algorithm developed to predict the effect of missense changes on protein structure and function (PolyPhen-2) suggests that this variant is likely to be disruptive. In summary, the available evidence is currently insufficient to determine the role of this variant in disease. Therefore, it has been classified as a Variant of Uncertain Significance.

NM_003489.4(NRIP1):c.2206G>C (p.Glu736Gln)

Gene: NRIP1 (nuclear receptor interacting protein 1; minus strand). Cytogenetic location: 21q11.2.
Variant type: single nucleotide variant.
Coding change: c.2206G>C on transcript NM_003489.4 (MANE Select); coding-DNA position 2206, G replaced by C.
Protein change: p.Glu736Gln; replaces glutamic acid 736 with glutamine.
Molecular consequence: missense variant.
Genome position (GRCh38, 1-based): chr21:14,965,987, C>G on the plus strand (G>C on the coding strand, the complement: NRIP1 is on the minus strand). VCF-style: chr21-14965987-C-G. GRCh37 (hg19) VCF-style: chr21-16338308-C-G.
Other names: c.2206G>C, p.Glu736Gln (NM_001439275.1, NM_001439276.1, NM_001439277.1 and 10 more transcripts); short protein forms E736Q.
Identifiers: ClinVar variation 4798179 (VCV004798179.1).